The following is an entry in ClinVar:

NM_004360.5(CDH1):c.2071G>A (p.Ala691Thr)

Gene: CDH1 (cadherin 1; plus strand). Cytogenetic location: 16q22.1.
Variant type: single nucleotide variant.
Coding change: c.2071G>A on transcript NM_004360.5 (MANE Select); coding-DNA position 2071, G replaced by A.
Protein change: p.Ala691Thr; replaces alanine 691 with threonine.
Molecular consequence: missense variant.
Genome position (GRCh38, 1-based): chr16:68,823,533, G>A. VCF-style: chr16-68823533-G-A. GRCh37 (hg19) VCF-style: chr16-68857436-G-A.
Other names: c.1888G>A, p.Ala630Thr (NM_001317184.2); c.523G>A, p.Ala175Thr (NM_001317185.2); c.106G>A, p.Ala36Thr (NM_001317186.2); c.2071G>A (LRG_301t1); short protein forms A691T, A36T, A175T, A630T.
Identifiers: ClinVar variation 233667 (VCV000233667.18), dbSNP rs876660560, ClinGen allele CA10580148.
Genomic context (GRCh38, chr16:68,823,533, plus strand): 5'-GATAACCAGAATAAAGACCAAGTGACCACCTTAGAGGTCAGCGTGTGTGACTGTGAAGGG[G>A]CCGCTGGCGTCTGTAGGAAGGCACAGCCTGTCGAAGCAGGATTGCAAATTCCTGCCATTC-3'
Protein context (NP_004351.1, residues 681-701): LEVSVCDCEG[Ala691Thr]AGVCRKAQPV

ClinVar aggregate classification (germline): Conflicting classifications of pathogenicity. Review status: criteria provided, conflicting classifications (1 of 4 stars). 5 submissions from 5 submitters: Uncertain significance (3); Benign (2). Last evaluated 2026-09-09.

Conditions:
CDH1-related disorder. Also called: CDH1-related condition.
Hereditary cancer-predisposing syndrome. Also called: Neoplastic Syndromes, Hereditary; Tumor predisposition; Hereditary Cancer Syndrome; Hereditary neoplastic syndrome. Identifiers: Orphanet 140162, MedGen C0027672, MeSH D009386, MONDO:0015356.
Ovarian cancer. Also called: OVARIAN CANCER, SOMATIC. Identifiers: Orphanet 213500, MedGen C1140680, MONDO:0008170, OMIM 167000.
Hereditary diffuse gastric adenocarcinoma (HDGC). Also called: DIFFUSE GASTRIC AND LOBULAR BREAST CANCER SYNDROME. Identifiers: Orphanet 26106, MedGen C1708349, MONDO:0007648, OMIM 137215.

Allele frequency attached by ClinVar (database versions not stated): gnomAD exomes below 0.00001 and 0.00001; TOPMed below 0.00001; gnomAD 0.00001.
gnomAD v4.1: 5 of 1,614,034 alleles (0.00031%); highest among the groups gnomAD compares: East Asian, 0.011%; no homozygotes.

Submissions (5):

PreventionGenetics, part of Exact Sciences
Classification: Uncertain significance for CDH1-related condition. Last evaluated: 2026-09-09. Review status: criteria provided, single submitter. Criteria: ACMG Guidelines, 2015. Collection method: clinical testing. Allele origin: germline.
Comment: The CDH1 c.2071G>A variant is predicted to result in the amino acid substitution p.Ala691Thr. This variant was reported in an individual with breast cancer (Liu et al. 2017. PubMed ID: 28135048). It is reported in 0.015% of alleles in individuals of East Asian descent in gnomAD and has conflicting interpretations in ClinVar ranging from benign to uncertain (Variation ID: 233667). Although we suspect that this variant may be benign, at this time, the clinical significance of this variant is uncertain due to the absence of conclusive functional and genetic evidence.

Labcorp Genetics (formerly Invitae), Labcorp
Classification: Uncertain significance for Hereditary diffuse gastric adenocarcinoma. Last evaluated: 2025-12-01. Review status: criteria provided, single submitter. Criteria: Invitae Variant Classification Sherloc (09022015). Collection method: clinical testing. Allele origin: germline.
Comment: This sequence change replaces alanine, which is neutral and non-polar, with threonine, which is neutral and polar, at codon 691 of the CDH1 protein (p.Ala691Thr). This variant is present in population databases (no rsID available, gnomAD 0.02%). This missense change has been observed in individual(s) with breast cancer (PMID: 28135048). ClinVar contains an entry for this variant (Variation ID: 233667). An algorithm developed to predict the effect of missense changes on protein structure and function outputs the following: PolyPhen-2: "Benign". The threonine amino acid residue is found in multiple mammalian species, which suggests that this missense change does not adversely affect protein function. In summary, the available evidence is currently insufficient to determine the role of this variant in disease. Therefore, it has been classified as a Variant of Uncertain Significance.

Ambry Genetics
Classification: Benign for Hereditary cancer-predisposing syndrome. Last evaluated: 2023-12-06. Review status: criteria provided, single submitter. Criteria: Ambry Variant Classification Scheme 2023. Collection method: clinical testing. Allele origin: germline.

Laboratory of Molecular Epidemiology of Birth Defects, West China Second University Hospital, Sichuan University
Classification: Benign for Ovarian cancer. Last evaluated: 2022-01-01. Review status: criteria provided, single submitter. Criteria: ACMG Guidelines, 2015. Collection method: clinical testing. Allele origin: germline. Affected: yes.

Color Diagnostics, LLC DBA Color Health
Classification: Uncertain significance for Hereditary cancer-predisposing syndrome. Last evaluated: 2021-01-27. Review status: criteria provided, single submitter. Criteria: ACMG Guidelines, 2015. Collection method: clinical testing. Allele origin: germline.
Comment: This missense variant replaces alanine with threonine at codon 691 of the CDH1 protein. To our knowledge, functional studies have not been reported for this variant. This variant has been detected in gastric tumor samples (PMID: 32175104) and in an individual affected with triple-negative breast cancer (PMID: 28135048). This variant has been identified in 3/282806 chromosomes in the general population by the Genome Aggregation Database (gnomAD). The available evidence is insufficient to determine the role of this variant in disease conclusively. Therefore, this variant is classified as a Variant of Uncertain Significance.

Literature cited by the submitters: PubMed 28135048 (cited by Labcorp Genetics (formerly Invitae), Labcorp and Ambry Genetics).